The following is an entry in ClinVar:

ClinVar aggregate classification (germline): Uncertain significance (1 of 4 stars; one submission).

Conditions:
Congenital disorder of glycosylation, type Ii. Also called: ALG2-congenital disorder of glycosylation; ALG2-CDG; CDG Ii. Identifiers: Orphanet 79326, MedGen C1842836, MONDO:0011933, OMIM 607906.
Congenital myasthenic syndrome 14. Also called: Myasthenic syndrome, congenital, 14, with tubular aggregates. Identifiers: Orphanet 353327, Orphanet 590, MedGen C4015597, MONDO:0014543, OMIM 616228.

Allele frequency attached by ClinVar (database versions not stated): TOPMed 0.00003; ESP Exome Variant Server 0.00010; gnomAD 0.00001 and 0.00002.
gnomAD v4.1: 8 of 1,540,450 alleles (0.00052%); highest among the groups gnomAD compares: African/African-American, 0.0082%; no homozygotes.

Submission:

Labcorp Genetics (formerly Invitae), Labcorp
Classification: Uncertain significance for Congenital disorder of glycosylation, type Ii; Congenital myasthenic syndrome 14. Last evaluated: 2023-08-04. Review status: criteria provided, single submitter. Criteria: Invitae Variant Classification Sherloc (09022015). Collection method: clinical testing. Allele origin: germline.
Comment: This sequence change replaces glycine, which is neutral and non-polar, with aspartic acid, which is acidic and polar, at codon 83 of the ALG2 protein (p.Gly83Asp). The frequency data for this variant in the population databases is considered unreliable, as metrics indicate poor data quality at this position in the gnomAD database. This variant has not been reported in the literature in individuals affected with ALG2-related conditions. ClinVar contains an entry for this variant (Variation ID: 1350946). An algorithm developed to predict the effect of missense changes on protein structure and function (PolyPhen-2) suggests that this variant is likely to be disruptive. In summary, the available evidence is currently insufficient to determine the role of this variant in disease. Therefore, it has been classified as a Variant of Uncertain Significance.

NM_033087.4(ALG2):c.248G>A (p.Gly83Asp)

Gene: ALG2 (ALG2 alpha-1,3/1,6-mannosyltransferase; minus strand). Cytogenetic location: 9q22.33.
Variant type: single nucleotide variant.
Coding change: c.248G>A on transcript NM_033087.4 (MANE Select); coding-DNA position 248, G replaced by A.
Protein change: p.Gly83Asp; replaces glycine 83 with aspartic acid.
Molecular consequence: missense variant. On other transcripts: non-coding transcript variant (1).
Genome position (GRCh38, 1-based): chr9:99,221,647, C>T on the plus strand (G>A on the coding strand, the complement: ALG2 is on the minus strand). VCF-style: chr9-99221647-C-T. GRCh37 (hg19) VCF-style: chr9-101983929-C-T.
Other names: short protein forms G83D.
Identifiers: ClinVar variation 1350946 (VCV001350946.6), dbSNP rs376627887, ClinGen allele CA5156432.